The following is an entry in ClinVar:

ClinVar aggregate classification (germline): Uncertain significance (1 of 4 stars; one submission).

Conditions:
Developmental and epileptic encephalopathy, 34 (DEE34). Also called: Early infantile epileptic encephalopathy 34; SLC12A5-Related Epilepsy of Infancy with Migrating Focal Seizures. Identifiers: Orphanet 293181, MedGen C4225257, MONDO:0014718, OMIM 616645.

Allele frequency attached by ClinVar (database versions not stated): gnomAD exomes below 0.00001; TOPMed 0.00001; gnomAD 0.00003.
gnomAD v4.1: 2 of 1,613,954 alleles (0.00012%); highest among the groups gnomAD compares: Non-Finnish European, 0.00017%; no homozygotes.

Submission:

Labcorp Genetics (formerly Invitae), Labcorp
Classification: Uncertain significance for Developmental and epileptic encephalopathy, 34. Last evaluated: 2022-10-13. Review status: criteria provided, single submitter. Criteria: Invitae Variant Classification Sherloc (09022015). Collection method: clinical testing. Allele origin: germline.
Comment: This sequence change replaces phenylalanine, which is neutral and non-polar, with cysteine, which is neutral and slightly polar, at codon 284 of the SLC12A5 protein (p.Phe284Cys). This variant is present in population databases (no rsID available, gnomAD 0.007%). This variant has not been reported in the literature in individuals affected with SLC12A5-related conditions. ClinVar contains an entry for this variant (Variation ID: 475660). Advanced modeling of protein sequence and biophysical properties (such as structural, functional, and spatial information, amino acid conservation, physicochemical variation, residue mobility, and thermodynamic stability) performed at Invitae indicates that this missense variant is not expected to disrupt SLC12A5 protein function. In summary, the available evidence is currently insufficient to determine the role of this variant in disease. Therefore, it has been classified as a Variant of Uncertain Significance.

NM_020708.5(SLC12A5):c.851T>G (p.Phe284Cys)

Gene: SLC12A5 (solute carrier family 12 member 5; plus strand). Cytogenetic location: 20q13.12.
Variant type: single nucleotide variant.
Coding change: c.851T>G on transcript NM_020708.5 (MANE Select); coding-DNA position 851, T replaced by G.
Protein change: p.Phe284Cys; replaces phenylalanine 284 with cysteine.
Molecular consequence: missense variant.
Genome position (GRCh38, 1-based): chr20:46,040,611, T>G. VCF-style: chr20-46040611-T-G. GRCh37 (hg19) VCF-style: chr20-44669250-T-G.
Other names: c.920T>G, p.Phe307Cys (NM_001134771.2); short protein forms F307C, F284C.
Identifiers: ClinVar variation 475660 (VCV000475660.8), dbSNP rs1213597825, ClinGen allele CA409190132.